The following is an entry in ClinVar:

NM_018191.4(RCBTB1):c.207A>C (p.Glu69Asp)

Gene: RCBTB1 (RCC1 and BTB domain containing protein 1; minus strand). Cytogenetic location: 13q14.2.
Variant type: single nucleotide variant.
Coding change: c.207A>C on transcript NM_018191.4 (MANE Select); coding-DNA position 207, A replaced by C.
Protein change: p.Glu69Asp; replaces glutamic acid 69 with aspartic acid.
Molecular consequence: missense variant. On other transcripts: 5 prime UTR variant (1), non-coding transcript variant (2).
Genome position (GRCh38, 1-based): chr13:49,566,688, T>G on the plus strand (A>C on the coding strand, the complement: RCBTB1 is on the minus strand). VCF-style: chr13-49566688-T-G. GRCh37 (hg19) VCF-style: chr13-50140824-T-G.
Other names: c.207A>C, p.Glu69Asp (NM_001352500.2, NM_001352501.2, NM_001352502.2 and 3 more transcripts); c.-403A>C (NM_001352506.2); short protein forms E69D.
Identifiers: ClinVar variation 769851 (VCV000769851.35), dbSNP rs138308390, ClinGen allele CA6982963.
Genomic context (GRCh38, chr13:49,566,688, plus strand): 5'-GAGAAGAACATGTGGTCCACTCCCGTAACTGAGGCTTTTAATCTTCTTTCCACATAAGCC[T>G]TCTAGCTTTTTGGGTACAAGTGTACTCTGGTTATCTCCAGTTCCTAGACAGTTACTATAG-3'
Protein context (NP_060661.3, residues 59-79): NQSTLVPKKL[Glu69Asp]GLCGKKIKSL

ClinVar aggregate classification (germline): Benign/Likely benign. Review status: criteria provided, multiple submitters, no conflicts (2 of 4 stars). 4 submissions from 4 submitters: Benign (2); Likely benign (2). Last evaluated 2026-09-01.

Allele frequency attached by ClinVar (database versions not stated): 1000 Genomes Project 30x 0.00219; 1000 Genomes Project 0.00220; TOPMed 0.00449; ESP Exome Variant Server 0.00500; ExAC 0.00537; gnomAD exomes 0.00577 and 0.00762; gnomAD 0.00612 and 0.00629.

Submissions (4):

CeGaT Center for Human Genetics Tuebingen
Classification: Likely benign. Last evaluated: 2026-09-01. Review status: criteria provided, single submitter. Criteria: CeGaT Center For Human Genetics Tuebingen Variant Classification Criteria Version 2. Collection method: clinical testing. Allele origin: germline. Affected: yes. Observed: 4 variant alleles.
Comment: RCBTB1: BS2

Labcorp Genetics (formerly Invitae), Labcorp
Classification: Benign. Last evaluated: 2026-02-02. Review status: criteria provided, single submitter. Criteria: Invitae Variant Classification Sherloc (09022015). Collection method: clinical testing. Allele origin: germline.

Blueprint Genetics
Classification: Likely benign. Last evaluated: 2024-11-27. Review status: criteria provided, single submitter. Criteria: ACMG Guidelines, 2015. Collection method: clinical testing. Allele origin: germline.

Breakthrough Genomics
Classification: Benign. Review status: criteria provided, single submitter. Criteria: ACMG Guidelines, 2015. Collection method: not provided. Allele origin: germline. Inheritance: Autosomal recessive inheritance. Affected: yes.